The following is an entry in ClinVar:

NM_133433.4(NIPBL):c.5809-203C>A

Gene: NIPBL (NIPBL cohesin loading factor; plus strand). Cytogenetic location: 5p13.2.
Variant type: single nucleotide variant.
Coding change: c.5809-203C>A on transcript NM_133433.4 (MANE Select); 203 bases into the intron before coding-DNA position 5809, C replaced by A.
Molecular consequence: intron variant.
Genome position (GRCh38, 1-based): chr5:37,027,156, C>A. VCF-style: chr5-37027156-C-A. GRCh37 (hg19) VCF-style: chr5-37027258-C-A.
Other names: c.5809-203C>A (NM_015384.5).
Identifiers: ClinVar variation 667677 (VCV000667677.1), dbSNP rs12187383, ClinGen allele CA15369446.

ClinVar aggregate classification (germline): Benign (1 of 4 stars; one submission).

Allele frequency attached by ClinVar (database versions not stated): gnomAD 0.11338 and 0.11408; 1000 Genomes Project 0.11801; 1000 Genomes Project 30x 0.11836; TOPMed 0.11886.
gnomAD v4.1: 17,359 of 152,128 alleles (11%); highest among the groups gnomAD compares: Admixed American, 18%; 1,073 homozygotes.

Submission:

GeneDx
Classification: Benign. Last evaluated: 2018-06-16. Review status: criteria provided, single submitter. Criteria: GeneDx Variant Classification (06012015). Collection method: clinical testing. Allele origin: germline. Affected: yes.
Comment: This variant is considered likely benign or benign based on one or more of the following criteria: it is a conservative change, it occurs at a poorly conserved position in the protein, it is predicted to be benign by multiple in silico algorithms, and/or has population frequency not consistent with disease.